The following is an entry in ClinVar:

NM_000199.5(SGSH):c.88+5G>C

Gene: SGSH (N-sulfoglucosamine sulfohydrolase; minus strand). Cytogenetic location: 17q25.3.
Variant type: single nucleotide variant.
Coding change: c.88+5G>C on transcript NM_000199.5 (MANE Select); 5 bases into the intron after coding-DNA position 88, G replaced by C.
Molecular consequence: intron variant.
Genome position (GRCh38, 1-based): chr17:80,220,221, C>G on the plus strand (G>C on the coding strand, the complement: SGSH is on the minus strand). VCF-style: chr17-80220221-C-G. GRCh37 (hg19) VCF-style: chr17-78194020-C-G.
Other names: c.88+5G>C (NM_001352921.3, NM_001352922.2).
Identifiers: ClinVar variation 1519205 (VCV001519205.6), dbSNP rs2144831735, ClinGen allele CA2573155042.
Genomic context (GRCh38, chr17:80,220,221, plus strand): 5'-GGAGGCCAGTGGCCACTTCCCCGGGCCACCGCAGGTGGGCGTGGGGGGGCGGCGCCGGCA[C>G]TCACCGAGGAGCAGCAGTGCGTTCCGGGGACGCGCCCGGCAGAGCCCCAGGACTAGCAGC-3'

ClinVar aggregate classification (germline): Uncertain significance (1 of 4 stars; one submission).

Conditions:
Mucopolysaccharidosis, MPS-III-A (MPS3A). Also called: HEPARAN SULFATE SULFATASE DEFICIENCY; SANFILIPPO SYNDROME A; SULFAMIDASE DEFICIENCY; MPS III A; MPS IIIA (Sanfilippo Syndrome Type A); Mucopolysaccharidosis type IIIA (Sanfilippo A). Identifiers: Orphanet 581, Orphanet 79269, MedGen C0086647, MONDO:0009655, OMIM 252900.

Allele frequency attached by ClinVar (database versions not stated): gnomAD exomes below 0.00001.
gnomAD v4.1: 1 of 1,516,856 alleles (0.000066%); highest among the groups gnomAD compares: Non-Finnish European, 0.000088%; no homozygotes.

Submission:

Labcorp Genetics (formerly Invitae), Labcorp
Classification: Uncertain significance for Mucopolysaccharidosis, MPS-III-A. Last evaluated: 2022-08-16. Review status: criteria provided, single submitter. Criteria: Invitae Variant Classification Sherloc (09022015). Collection method: clinical testing. Allele origin: germline.
Comment: Variants that disrupt the consensus splice site are a relatively common cause of aberrant splicing (PMID: 17576681, 9536098). Algorithms developed to predict the effect of sequence changes on RNA splicing suggest that this variant may disrupt the consensus splice site. In summary, the available evidence is currently insufficient to determine the role of this variant in disease. Therefore, it has been classified as a Variant of Uncertain Significance. ClinVar contains an entry for this variant (Variation ID: 1519205). This variant has not been reported in the literature in individuals affected with SGSH-related conditions. This variant is not present in population databases (gnomAD no frequency). This sequence change falls in intron 1 of the SGSH gene. It does not directly change the encoded amino acid sequence of the SGSH protein. It affects a nucleotide within the consensus splice site.

Literature cited by the submitters: PubMed 17576681; PubMed 9536098.